The following is an entry in ClinVar:

NM_006767.4(LZTR1):c.737A>G (p.Gln246Arg)

Gene: LZTR1 (leucine zipper like post translational regulator 1; plus strand). Cytogenetic location: 22q11.21.
Variant type: single nucleotide variant.
Coding change: c.737A>G on transcript NM_006767.4 (MANE Select); coding-DNA position 737, A replaced by G.
Protein change: p.Gln246Arg; replaces glutamine 246 with arginine.
Molecular consequence: missense variant.
Genome position (GRCh38, 1-based): chr22:20,990,471, A>G. VCF-style: chr22-20990471-A-G. GRCh37 (hg19) VCF-style: chr22-21344760-A-G.
Other names: c.737A>G (NM_006767.3); short protein forms Q246R.
Identifiers: ClinVar variation 1968971 (VCV001968971.6), dbSNP rs1057518336, ClinGen allele CA410780592.
Genomic context (GRCh38, chr22:20,990,471, plus strand): 5'-CATCTTGCTGCAACTTCCCCGTGGCTGTGTGCCGGGACAAGATGTTTGTATTCTCTGGGC[A>G]AAGCGGAGCCAAAATAACCAACAACCTCTTCCAGTTTGAATTCAAGGACAAGACGTGAGT-3'
Protein context (NP_006758.2, residues 236-256): CRDKMFVFSG[Gln246Arg]SGAKITNNLF

ClinVar aggregate classification (germline): Conflicting classifications of pathogenicity. Review status: criteria provided, conflicting classifications (1 of 4 stars). 2 submissions from 2 submitters: Pathogenic (1); Uncertain significance (1). Last evaluated 2026-03-02.

Submissions (2):

GeneDx
Classification: Pathogenic. Last evaluated: 2026-03-02. Review status: criteria provided, single submitter. Criteria: GeneDx Variant Classification Process June 2021. Collection method: clinical testing. Allele origin: germline.
Comment: Not observed at significant frequency in large population cohorts (gnomAD); In silico analysis supports that this missense variant has a deleterious effect on protein structure/function; Has not been previously published as pathogenic or benign to our knowledge

Labcorp Genetics (formerly Invitae), Labcorp
Classification: Uncertain significance. Last evaluated: 2023-03-23. Review status: criteria provided, single submitter. Criteria: Invitae Variant Classification Sherloc (09022015). Collection method: clinical testing. Allele origin: germline.
Comment: In summary, the available evidence is currently insufficient to determine the role of this variant in disease. Therefore, it has been classified as a Variant of Uncertain Significance. This sequence change replaces glutamine, which is neutral and polar, with arginine, which is basic and polar, at codon 246 of the LZTR1 protein (p.Gln246Arg). This variant is not present in population databases (gnomAD no frequency). This variant has not been reported in the literature in individuals affected with LZTR1-related conditions. ClinVar contains an entry for this variant (Variation ID: 1968971). Advanced modeling of protein sequence and biophysical properties (such as structural, functional, and spatial information, amino acid conservation, physicochemical variation, residue mobility, and thermodynamic stability) performed at Invitae indicates that this missense variant is not expected to disrupt LZTR1 protein function.